The following is an entry in ClinVar:

ClinVar aggregate classification (germline): Pathogenic (1 of 4 stars; one submission).

Submission:

GeneDx
Classification: Pathogenic. Last evaluated: 2023-10-19. Review status: criteria provided, single submitter. Criteria: GeneDx Variant Classification Process June 2021. Collection method: clinical testing. Allele origin: germline. Affected: yes.
Comment: Not observed in large population cohorts (gnomAD); In silico analysis supports that this missense variant has a deleterious effect on protein structure/function; Has not been previously published as pathogenic or benign to our knowledge

NM_001257293.2(HNRNPH1):c.956T>A (p.Ile319Asn)

Genes: HNRNPH1 (heterogeneous nuclear ribonucleoprotein H1; minus strand), LOC128966623 (uncharacterized LOC128966623; plus strand). Cytogenetic location: 5q35.3.
Variant type: single nucleotide variant.
Coding change: c.956T>A on transcript NM_001257293.2 (MANE Select); coding-DNA position 956, T replaced by A.
Protein change: p.Ile319Asn; replaces isoleucine 319 with asparagine.
Molecular consequence: missense variant.
Genome position (GRCh38, 1-based): chr5:179,617,615, A>T on the plus strand (T>A on the coding strand, the complement: HNRNPH1 is on the minus strand). VCF-style: chr5-179617615-A-T. GRCh37 (hg19) VCF-style: chr5-179044616-A-T.
Other names: c.638T>A, p.Ile213Asn (NM_001395191.1, NM_001395192.1); c.545T>A, p.Ile182Asn (NM_001395193.1); c.353T>A, p.Ile118Asn (NM_001395194.1, NM_001395195.1, NM_001364251.2 and 4 more transcripts); c.956T>A, p.Ile319Asn (NM_005520.3, NM_001363572.2, NM_001364225.2 and 27 more transcripts); c.935T>A, p.Ile312Asn (NM_001364240.2, NM_001364241.2, NM_001364242.2 and 6 more transcripts); c.800T>A, p.Ile267Asn (NM_001364250.2); c.725T>A, p.Ile242Asn (NM_001395190.1); short protein forms I118N, I182N, I213N, I242N, I267N, I312N, I319N.
Identifiers: ClinVar variation 2663288 (VCV002663288.1), dbSNP rs2532663080, ClinGen allele CA362437598.